The following is an entry in ClinVar:

NM_152564.5(VPS13B):c.8903A>G (p.Asn2968Ser)

Gene: VPS13B (vacuolar protein sorting 13 homolog B; plus strand). Cytogenetic location: 8q22.2.
Variant type: single nucleotide variant.
Coding change: c.8903A>G on transcript NM_152564.5 (MANE Select); coding-DNA position 8903, A replaced by G.
Protein change: p.Asn2968Ser; replaces asparagine 2968 with serine.
Molecular consequence: missense variant.
Genome position (GRCh38, 1-based): chr8:99,820,031, A>G. VCF-style: chr8-99820031-A-G. GRCh37 (hg19) VCF-style: chr8-100832259-A-G.
Other names: N2993S; c.8978A>G, p.Asn2993Ser (NM_017890.5); short protein forms N2968S.
Identifiers: ClinVar variation 2821 (VCV000002821.76), dbSNP rs28940272, ClinGen allele CA090981.
Genomic context (GRCh38, chr8:99,820,031, plus strand): 5'-TCTGGAAGCCATATGTTAGAACTTTGTTGATAGAACTTCTGCCCTGGGCCCTGCTTATCA[A>G]TGAATCCAAATGGGACCTCTGGCTATTTGAAGGAGAGAAAATTGTTCTACAGGTTCCTGC-3'
Protein context (NP_689777.3, residues 2958-2978): IELLPWALLI[Asn2968Ser]ESKWDLWLFE

ClinVar aggregate classification (germline): Conflicting classifications of pathogenicity. Review status: criteria provided, conflicting classifications (1 of 4 stars). 18 submissions from 18 submitters: Uncertain significance (1); Benign (1); Likely benign (14). 2 of the submissions do not count toward it. Last evaluated 2026-09-01.

Conditions:
VPS13B-related disorder. Also called: VPS13B-related condition.
Inborn genetic diseases. Identifiers: MedGen C0950123, MeSH D030342.
Cohen syndrome (COH1). Also called: Cutis verticis gyrata, retinitis pigmentosa, and sensorineural deafness; PEPPER SYNDROME. Identifiers: Orphanet 193, MedGen C0265223, MONDO:0008999, OMIM 216550.

Allele frequency attached by ClinVar (database versions not stated): TOPMed 0.00449; gnomAD exomes 0.00514 and 0.00318; 1000 Genomes Project 0.00140; gnomAD 0.00396 and 0.00363; 1000 Genomes Project 30x 0.00187; ExAC 0.00325.
gnomAD v4.1: 8,077 of 1,614,038 alleles (0.5%); highest among the groups gnomAD compares: Non-Finnish European, 0.61%; 22 homozygotes.

Submissions (19):

CeGaT Center for Human Genetics Tuebingen
Classification: Likely benign. Last evaluated: 2026-09-01. Review status: criteria provided, single submitter. Criteria: CeGaT Center For Human Genetics Tuebingen Variant Classification Criteria Version 2. Collection method: clinical testing. Allele origin: germline. Affected: yes. Observed: 20 variant alleles.
Comment: VPS13B: BP4, BS1

Women's Health and Genetics/Laboratory Corporation of America, LabCorp
Classification: Likely benign. Last evaluated: 2026-02-13. Review status: criteria provided, single submitter. Criteria: LabCorp Variant Classification Summary - May 2015. Collection method: clinical testing. Allele origin: germline.
Comment: Variant summary: VPS13B c.8978A>G (p.Asn2993Ser) results in a conservative amino acid change in the encoded protein sequence. Algorithms developed to predict the effect of missense changes on protein structure and function are either unavailable or do not agree on the potential impact of this missense change. The variant allele was found at a frequency of 0.0032 in 251260 control chromosomes, predominantly at a frequency of 0.0049 within the Non-Finnish European subpopulation in the gnomAD database. The observed variant frequency within Non-Finnish European control individuals in the gnomAD database exceeds the estimated maximal expected allele frequency for disease-causing variants in VPS13B, strongly suggesting that the variant is a benign polymorphism found primarily in populations of Non-Finnish European origin. c.8978A>G has been observed in individual(s) affected with Cohen Syndrome, including a sibling pair who were homozygous for the variant (Kolehmainen_2004), as well as patients with retinal dystrophies including one case with an alternative explanation for disease (Tiwari_2016, Zenteno_2019). These report(s) do not provide unequivocal conclusions about association of the variant with Cohen Syndrome. At least one publication reports experimental, yeast-based evidence evaluating an impact on protein function, however, does not allow convincing conclusions about the variant effect (Dziurdzik_2020). The following publications have been ascertained in the context of this evaluation (PMID: 31943017, 15141358, 27353947, 31736247). ClinVar contains an entry for this variant (Variation ID: 2821). Based on the evidence outlined above, the variant was classified as likely benign.

Labcorp Genetics (formerly Invitae), Labcorp
Classification: Likely benign for Cohen syndrome. Last evaluated: 2026-02-04. Review status: criteria provided, single submitter. Criteria: Invitae Variant Classification Sherloc (09022015). Collection method: clinical testing. Allele origin: germline.

PreventionGenetics, part of Exact Sciences
Classification: Likely benign for VPS13B-related condition. Last evaluated: 2026-01-29. Review status: criteria provided, single submitter. Criteria: ACMG Guidelines, 2015. Collection method: clinical testing. Allele origin: germline.
Comment: This variant is classified as likely benign based on ACMG/AMP sequence variant interpretation guidelines (Richards et al. 2015 PMID: 25741868, with internal and published modifications).

Athena Diagnostics
Classification: Likely benign. Last evaluated: 2025-04-11. Review status: criteria provided, single submitter. Criteria: Athena Diagnostics Criteria. Collection method: clinical testing. Allele origin: unknown.
Comment: The frequency of this variant in the general population is higher than would generally be expected for pathogenic variants in this gene. Assessment of experimental evidence regarding the effect of this variant on protein function is inconclusive. (PMID: 35690661)

Blueprint Genetics
Classification: Likely benign. Last evaluated: 2024-11-26. Review status: criteria provided, single submitter. Criteria: ACMG Guidelines, 2015. Collection method: clinical testing. Allele origin: germline.

Mayo Clinic Laboratories, Mayo Clinic
Classification: Likely benign. Last evaluated: 2024-04-04. Review status: criteria provided, single submitter. Criteria: ACMG Guidelines, 2015. Collection method: clinical testing. Allele origin: germline. Observed: 8 variant alleles.

Ambry Genetics
Classification: Likely benign for Inborn genetic diseases. Last evaluated: 2023-05-02. Review status: criteria provided, single submitter. Criteria: Ambry Variant Classification Scheme 2023. Collection method: clinical testing. Allele origin: germline.

Center for Genomics, Ann and Robert H. Lurie Children's Hospital of Chicago
Classification: Likely benign for Cohen syndrome. Last evaluated: 2022-08-23. Review status: criteria provided, single submitter. Criteria: ACMG Guidelines, 2015. Collection method: clinical testing. Allele origin: germline.
Comment: This variant has been reported in the homozygous state in one individual with Cohen syndrome, segregating with disease in 1 affected family member (Kolehmainen 2004 PMID:15141358). This variant is present in the Genome Aggregation Database (Highest reported MAF: 0.6% [379/68018], and in 4 homozygotes), and in ClinVar, with several laboratories classifying it as benign or likely benign (Variation ID:2821). In an vitro binding assay suggests that this variant may slightly reduce the protein's binding ability (Dziurdzik 2020 PMID:31943017); however, these studies may not accurately represent in vivo biological function. In summary, data on this variant suggests that this variant does not cause disease but requires further evidence. Therefore, this variant is classified as likely benign.

New York Genome Center
Classification: Uncertain significance for Cohen syndrome. Last evaluated: 2021-10-29. Review status: criteria provided, single submitter. Criteria: NYGC Assertion Criteria 2020. Collection method: clinical testing. Allele origin: germline. Observed: 1 heterozygote.

GeneDx
Classification: Likely benign. Last evaluated: 2020-09-21. Review status: criteria provided, single submitter. Criteria: GeneDx Variant Classification Process June 2021. Collection method: clinical testing. Allele origin: germline. Affected: yes.
Comment: This variant is associated with the following publications: (PMID: 26764160, 31943017, 15141358, 31736247)

Mendelics
Classification: Likely benign for Cohen syndrome. Last evaluated: 2019-05-28. Review status: criteria provided, single submitter. Criteria: Mendelics Assertion Criteria 2017. Collection method: clinical testing. Allele origin: unknown.

Genetic Services Laboratory, University of Chicago
Classification: Likely benign. Last evaluated: 2017-07-31. Review status: criteria provided, single submitter. Criteria: ACMG Guidelines, 2015. Collection method: clinical testing. Allele origin: germline. Affected: no.

Illumina Laboratory Services, Illumina
Classification: Likely benign for Cohen syndrome. Last evaluated: 2017-04-27. Review status: criteria provided, single submitter. Criteria: ICSL Variant Classification Criteria 13 December 2019. Collection method: clinical testing. Allele origin: germline.
Comment: This variant was observed as part of a predisposition screen in an ostensibly healthy population. A literature search was performed for the gene, cDNA change, and amino acid change (where applicable). No publications were found based on this search. Allele frequency data from public databases allowed determination this variant is unlikely to cause disease. Therefore, this variant is classified as likely benign.

Center for Pediatric Genomic Medicine, Children's Mercy Hospital and Clinics
Classification: Likely benign. Last evaluated: 2017-02-24. Review status: criteria provided, single submitter. Criteria: ACMG Guidelines, 2015. Collection method: clinical testing. Allele origin: germline.

Eurofins Ntd Llc (ga)
Classification: Benign. Last evaluated: 2015-03-25. Review status: criteria provided, single submitter. Criteria: EGL Classification Definitions 2015. Collection method: clinical testing. Allele origin: germline. Observed: 2 variant alleles, 2 heterozygotes.

Natera, Inc.
Classification: Benign for Cohen syndrome. Last evaluated: 2019-12-29. Review status: no assertion criteria provided. Collection method: clinical testing. Allele origin: germline. Not counted in ClinVar's aggregate classification.

OMIM
Classification: Pathogenic for COHEN SYNDROME. Last evaluated: 2004-07-01. Review status: no assertion criteria provided. Collection method: literature only. Allele origin: germline. Not counted in ClinVar's aggregate classification.

Dr. Peter K. Rogan Lab, Western University
No classification provided (evidence only). Condition: Malignant tumor of urinary bladder. Review status: no classification provided. Collection method: in vitro. Allele origin: not applicable. Functional consequence: retained intron. Not counted in ClinVar's aggregate classification.

Literature cited by the submitters: PubMed 15141358 (cited by 3 submitters); PubMed 31736247 (cited by Women's Health and Genetics/Laboratory Corporation of America, LabCorp and Athena Diagnostics); PubMed 31943017 (cited by Women's Health and Genetics/Laboratory Corporation of America, LabCorp and Athena Diagnostics); PubMed 27353947 (cited by Women's Health and Genetics/Laboratory Corporation of America, LabCorp and Athena Diagnostics); PubMed 35690661 (cited by Athena Diagnostics); PubMed 34426522 (cited by Athena Diagnostics); PubMed 26764160 (cited by Athena Diagnostics); PubMed 19006247 (cited by Athena Diagnostics).